The following is an entry in ClinVar:

NM_001643.2(APOA2):c.53-43TG[22]

Gene: APOA2 (apolipoprotein A2; minus strand). Cytogenetic location: 1q23.3.
Variant type: Microsatellite.
Coding change: c.53-43TG[22] on transcript NM_001643.2 (MANE Select); 22 copies in a row of the 2-base unit TG starting at c.53-43; the reference has 19 copies in a row; three copies, 6 bases duplicated.
Molecular consequence: intron variant.
Genome position (GRCh38, 1-based): chr1:161,223,056-161,223,061, CACACA duplicated on the plus strand (TGTGTG on the coding strand, the reverse complement: APOA2 is on the minus strand); duplicating any 6 consecutive bases within chr1:161,223,056-161,223,094 gives the same sequence; the position shown is the placement nearest the transcript's 3' end. VCF-style (leftmost placement, unchanged base first): chr1-161223055-C-CCACACA. GRCh37 (hg19) VCF-style: chr1-161192845-C-CCACACA.
Other names: c.53-11_53-6dup (NM_001643.2); c.53-11_53-6dupTGTGTG (NM_001643.1).
Identifiers: ClinVar variation 1337962 (VCV001337962.6), dbSNP rs17244502, ClinGen allele CA890192662.

ClinVar aggregate classification (germline): Benign/Likely benign. Review status: criteria provided, multiple submitters, no conflicts (2 of 4 stars). 3 submissions from 3 submitters: Benign (2); Likely benign (1). Last evaluated 2024-11-26.

Submissions (3):

Blueprint Genetics
Classification: Likely benign. Last evaluated: 2024-11-26. Review status: criteria provided, single submitter. Criteria: ACMG Guidelines, 2015. Collection method: clinical testing. Allele origin: germline.

Women's Health and Genetics/Laboratory Corporation of America, LabCorp
Classification: Benign. Last evaluated: 2023-06-12. Review status: criteria provided, single submitter. Criteria: LabCorp Variant Classification Summary - May 2015. Collection method: clinical testing. Allele origin: germline.
Comment: Variant summary: APOA2 c.53-11_53-6dupTGTGTG alters a nucleotide located close to a canonical splice site and therefore could affect mRNA splicing, leading to a significantly altered protein sequence. 4/4 computational tools predict no significant impact on normal splicing. However, these predictions have yet to be confirmed by functional studies. This specific duplication was absent in 195520 control chromosomes, however, this intronic region has a long expanse of [TG] repeats. Several other [TG] duplications and deletions have been found in this region, some with allele frequencies as high as 0.2874 (c.53-11_53-6delTGTGTG, gnomAD). To our knowledge, no occurrence of c.53-11_53-6dupTGTGTG in individuals affected with Familial Hypercholesterolemia and no experimental evidence demonstrating its impact on protein function have been reported. One ClinVar submitter has assessed the variant since 2014: the variant was classified as benign. Based on the evidence outlined above, the variant was classified as benign.

Genetic Services Laboratory, University of Chicago
Classification: Benign. Last evaluated: 2021-06-07. Review status: criteria provided, single submitter. Criteria: ACMG Guidelines, 2015. Collection method: clinical testing. Allele origin: germline. Affected: no.